The following is an entry in ClinVar:

ClinVar aggregate classification (germline): Uncertain significance (1 of 4 stars; one submission).

Conditions:
Hereditary cancer-predisposing syndrome. Also called: Hereditary Cancer Syndrome; Hereditary neoplastic syndrome; Neoplastic Syndromes, Hereditary; Tumor predisposition. Identifiers: Orphanet 140162, MedGen C0027672, MeSH D009386, MONDO:0015356.

Submission:

Ambry Genetics
Classification: Uncertain significance for Hereditary cancer-predisposing syndrome. Last evaluated: 2024-09-05. Review status: criteria provided, single submitter. Criteria: Ambry Variant Classification Scheme 2023. Collection method: clinical testing. Allele origin: germline.
Comment: The p.G51R variant (also known as c.151G>A), located in coding exon 3 of the XRCC2 gene, results from a G to A substitution at nucleotide position 151. The glycine at codon 51 is replaced by arginine, an amino acid with dissimilar properties. This amino acid position is conserved. In addition, this alteration is predicted to be deleterious by in silico analysis. Since supporting evidence is limited at this time, the clinical significance of this alteration remains unclear.

NM_005431.2(XRCC2):c.151G>A (p.Gly51Arg)

Gene: XRCC2 (X-ray repair cross complementing 2; minus strand). Cytogenetic location: 7q36.1.
Variant type: single nucleotide variant.
Coding change: c.151G>A on transcript NM_005431.2 (MANE Select); coding-DNA position 151, G replaced by A.
Protein change: p.Gly51Arg; replaces glycine 51 with arginine.
Molecular consequence: missense variant.
Genome position (GRCh38, 1-based): chr7:152,649,334, C>T on the plus strand (G>A on the coding strand, the complement: XRCC2 is on the minus strand). VCF-style: chr7-152649334-C-T. GRCh37 (hg19) VCF-style: chr7-152346419-C-T.
Other names: short protein forms G51R.
Identifiers: ClinVar variation 1774394 (VCV001774394.3), dbSNP rs2116988454, ClinGen allele CA370199315.